The following continues an entry in ClinVar:

NR_003137.3(RNU4-2):n.64_65insT

ClinVar aggregate classification (germline): Pathogenic. Pathogenic (23).

Submissions 13 to 25 of 25:

Centre for Clinical Genetics and Genomic Diagnostics, Zealand University Hospital
Classification: Pathogenic. Last evaluated: 2025-01-31. Review status: criteria provided, single submitter. Criteria: ACMG Guidelines, 2015. Collection method: clinical testing. Allele origin: de novo.

Clinical Genetics Laboratory, Skane University Hospital Lund
Classification: Pathogenic for Neurodevelopmental disorder with hypotonia, brain anomalies, distinctive facies, and absent language. Last evaluated: 2024-12-09. Review status: criteria provided, single submitter. Criteria: ACMG Guidelines, 2015. Collection method: clinical testing. Allele origin: de novo. Inheritance: Autosomal dominant inheritance. Affected: yes.
Comment: ACMG criteria used: PS2, PS4, PM2

Clinical Genomics Laboratory, Stanford Medicine
Classification: Pathogenic for Neurodevelopmental disorder with hypotonia, brain anomalies, distinctive facies, and absent language. Last evaluated: 2024-12-05. Review status: criteria provided, single submitter. Criteria: ACMG Guidelines, 2015. Collection method: clinical testing. Allele origin: de novo. Inheritance: Autosomal dominant inheritance. Affected: yes. Observed: 1 variant allele, 1 heterozygote. Study: GREGoR Consortium.
Comment: The n.64_65insT variant in the RNU4-2 gene has been previously reported to occur de novo in >30 individuals with syndromic neurodevelopmental delay (PMID: 38991538; PMID: 38821540; PMID: 38859706). This variant was absent from large population databases, including the Genome Aggregation Database. This variant is present in ClinVar (Accession: VCV003068742.33). This variant occurs in an 18 base pair region of RNU4-2 which maps to two structural elements in the U4/U6 snRNA duplex critically involved in 5’ splicing. Several other pathogenic/likely pathogenic variants have been described in this region (PMID: 38991538). These data were assessed using the ACMG/AMP variant interpretation guidelines. In summary, there is sufficient evidence to classify the n.64_65insT variant as pathogenic for autosomal dominant RNU4-2-associated neurodevelopmental disorder based on the information above. [ACMG evidence codes used: PS2_Very Strong; PM1; PM2]

Institute of Medical Genetics and Applied Genomics, University Hospital Tübingen
Classification: Pathogenic for Neurodevelopmental disorder with hypotonia, brain anomalies, distinctive facies, and absent language. Last evaluated: 2024-10-23. Review status: criteria provided, single submitter. Criteria: ACMG Guidelines, 2015. Collection method: clinical testing. Allele origin: germline. Inheritance: Autosomal dominant inheritance. Affected: yes.

Illumina Laboratory Services, Illumina
Classification: Pathogenic for Neurodevelopmental disorder with hypotonia, brain anomalies, distinctive facies, and absent language. Last evaluated: 2024-06-24. Review status: criteria provided, single submitter. Criteria: ICSLVariantClassificationCriteria RUGD 01 April 2020. Collection method: clinical testing. Allele origin: unknown.
Comment: The RNU4-2 n.64_65insT variant is a non-protein coding variant that has been identified in individuals with a phenotype consistent with RNU4-2-related neurodevelopmental disorder (PMID: 38821540; 38645094; 38859706). This variant was identified in a de novo state in the majority of reported cases (PMID: 38821540; 38859706). This variant is not observed in version 2.1.1 or version 4.1.0 of the Genome Aggregation Database. Based on the available evidence, the n.64_65insT variant is classified as pathogenic for RNU4-2-related neurodevelopmental disorder.

HudsonAlpha Institute for Biotechnology
Classification: Pathogenic for Neurodevelopmental disorder with hypotonia, brain anomalies, distinctive facies, and absent language. Last evaluated: 2024-05-03. Review status: criteria provided, single submitter. Criteria: ACMG Guidelines, 2015. Collection method: research. Allele origin: de novo. Affected: yes. Observed: 1 variant allele. Study: CSER-HudsonAlpha.

Institute of Human Genetics, University of Leipzig Medical Center
Classification: Pathogenic for RNU4-2-associated neurodevelopmental disorder. Last evaluated: 2024-04-10. Review status: criteria provided, single submitter. Criteria: ACMG Guidelines, 2015. Collection method: literature only. Allele origin: de novo. Inheritance: Autosomal dominant inheritance. Affected: yes. Observed: 92 variant alleles. Clinical features observed: Seizure (HP:0001250), Global developmental delay (HP:0001263), Intellectual disability (HP:0001249), Microcephaly (HP:0000252).
Comment: This variant was identified as de novo (maternity and paternity confirmed). Criteria applied: PS2_VSTR, PS4_VSTR

Groupe Hospitalier Pitie Salpetriere, Uf Genomique Du Developpement, Assistance Publique Hopitaux de Paris Sorbonne Université
Classification: Pathogenic for Neurodevelopmental disorder with hypotonia, brain anomalies, distinctive facies, and absent language. Last evaluated: 2024-04-01. Review status: criteria provided, single submitter. Criteria: ACMG Guidelines, 2015. Collection method: clinical testing. Allele origin: germline. Affected: yes. Observed: 8 variant alleles. Clinical features observed: Motor delay, Microcephaly, High-arched palate, Cervical fibro-chondroma, Brachial plexus palsy, Clubfoot, Moderate ID, Antenatal ventriculomegaly, Left renal pelvic dilation, Epilepsy, Hypotonia, Strabismus, and 27 more.
Comment: This variant is found de novo (PS2), functional studies show a damaging effect on the gene or gene product (PS3), the prevalence of the variant in affected individuals is significantly increased compared with controls (PS4) and absent or extremely rare in population databases (PM2_supp)

AURAGEN, Plan France Médecine Génomique
Classification: Pathogenic for Multiple congenital anomalies/dysmorphic syndrome-intellectual disability. Last evaluated: 2022-05-04. Review status: criteria provided, single submitter. Criteria: PFMG2025 (Lancet Reg Health Eur. 2025). Collection method: clinical testing. Allele origin: germline. Affected: yes.

Institute for Human Genetics, University Hospital Essen
Classification: Pathogenic for Neurodevelopmental disorder with hypotonia, brain anomalies, distinctive facies, and absent language. Last evaluated: 2005-03-05. Review status: criteria provided, single submitter. Criteria: ACMG Guidelines, 2015. Collection method: clinical testing. Allele origin: de novo. Inheritance: Autosomal dominant inheritance. Affected: yes.
Comment: PM2_supp, PS2, PS3, PS4

Institute for Medical Genetics and Human Genetics, Charité - Universitätsmedizin Berlin
Classification: Pathogenic. Review status: criteria provided, single submitter. Criteria: ACMG Guidelines, 2015. Collection method: not provided. Allele origin: germline. Affected: yes.

OMIM
Classification: Pathogenic for ReNU SYNDROME. Last evaluated: 2024-09-03. Review status: no assertion criteria provided. Collection method: literature only. Allele origin: germline. Not counted in ClinVar's aggregate classification.

Undiagnosed Diseases Network, NIH
Classification: Pathogenic for Neurodevelopmental disorder with hypotonia, brain anomalies, distinctive facies, and absent language. Last evaluated: 2024-05-31. Review status: no assertion criteria provided. Collection method: clinical testing. Allele origin: unknown. Inheritance: Autosomal dominant inheritance. Affected: yes. Study: Undiagnosed Diseases Network (NIH), UDN. Not counted in ClinVar's aggregate classification.
Comment: functional studies, see Chen et al..

Literature cited by the submitters: PubMed 38991538 (cited by 7 submitters); PubMed 38821540 (cited by 7 submitters); DOI 10.1186/s13073- 022-01073-3 (cited by Laboratory Cellgenetics, GMDL Cellgenetics); PubMed 38859706 (cited by 5 submitters); PubMed 38645094 (cited by 3billion and Illumina Laboratory Services, Illumina); DOI 10.1101/2024.04.07.24305438 (cited by Institute of Human Genetics, University of Leipzig Medical Center).